The following is an entry in ClinVar:

ClinVar aggregate classification (germline): Likely benign. Review status: criteria provided, multiple submitters, no conflicts (2 of 4 stars). 3 submissions from 3 submitters: Likely benign (3). Last evaluated 2023-10-02.

Conditions:
Cardiovascular phenotype. Identifiers: MedGen CN230736.
Hypertrophic cardiomyopathy. Also called: HYPERTROPHIC MYOCARDIOPATHY. Identifiers: Orphanet 217569, MedGen C0007194, MeSH D002312, MONDO:0005045, HP:0001639.

gnomAD v4.1: 1 of 1,613,868 alleles (0.000062%); highest among the groups gnomAD compares: Non-Finnish European, 0.000085%; no homozygotes.

Submissions (3):

All of Us Research Program, National Institutes of Health
Classification: Likely benign for Hypertrophic cardiomyopathy. Last evaluated: 2023-10-02. Review status: criteria provided, single submitter. Criteria: ACMG Guidelines, 2015. Collection method: clinical testing. Allele origin: germline. Inheritance: Autosomal dominant inheritance. Observed: 1 variant allele, 1 heterozygote.
Comment: This study involves interpretation of variants in research participants for the purpose of population health screening. Participant phenotype was not available at the time of variant classification. Additional details can be found in publication PMID: 35346344, PMCID: PMC8962531

Labcorp Genetics (formerly Invitae), Labcorp
Classification: Likely benign for Hypertrophic cardiomyopathy. Last evaluated: 2023-04-09. Review status: criteria provided, single submitter. Criteria: Invitae Variant Classification Sherloc (09022015). Collection method: clinical testing. Allele origin: germline.

Ambry Genetics
Classification: Likely benign for Cardiovascular phenotype. Last evaluated: 2020-01-17. Review status: criteria provided, single submitter. Criteria: Ambry Variant Classification Scheme 2023. Collection method: clinical testing. Allele origin: germline.

NM_000256.3(MYBPC3):c.2517C>A (p.Gly839=)

Gene: MYBPC3 (myosin binding protein C3; minus strand). Cytogenetic location: 11p11.2.
Variant type: single nucleotide variant.
Coding change: c.2517C>A on transcript NM_000256.3 (MANE Select); coding-DNA position 2517, C replaced by A.
Protein change: p.Gly839=; no amino-acid change (glycine 839 retained).
Molecular consequence: synonymous variant.
Genome position (GRCh38, 1-based): chr11:47,337,476, G>T on the plus strand (C>A on the coding strand, the complement: MYBPC3 is on the minus strand). VCF-style: chr11-47337476-G-T. GRCh37 (hg19) VCF-style: chr11-47359027-G-T.
Identifiers: ClinVar variation 1792469 (VCV001792469.6), dbSNP rs370561202, ClinGen allele CA474429319.